The following is an entry in ClinVar:

ClinVar aggregate classification (germline): Likely benign. Review status: criteria provided, multiple submitters, no conflicts (2 of 4 stars). 3 submissions from 3 submitters: Likely benign (3). Last evaluated 2025-03-17.

Conditions:
NPHP4-related disorder. Also called: NPHP4-related condition; NPHP4-related disorders. Identifiers: MedGen CN239384.
Nephronophthisis. Also called: Juvenile Nephronophthisis. Identifiers: Orphanet 655, MedGen C0687120, MONDO:0019005, HP:0000090.

Allele frequency attached by ClinVar (database versions not stated): gnomAD 0.00001; gnomAD exomes 0.00001; TOPMed 0.00002.
gnomAD v4.1: 18 of 1,613,714 alleles (0.0011%); highest among the groups gnomAD compares: Admixed American, 0.0033%; no homozygotes.

Submissions (3):

PreventionGenetics, part of Exact Sciences
Classification: Likely benign for NPHP4-related condition. Last evaluated: 2025-03-17. Review status: criteria provided, single submitter. Criteria: ACMG Guidelines, 2015. Collection method: clinical testing. Allele origin: germline.
Comment: This variant is classified as likely benign based on ACMG/AMP sequence variant interpretation guidelines (Richards et al. 2015 PMID: 25741868, with internal and published modifications).

Labcorp Genetics (formerly Invitae), Labcorp
Classification: Likely benign for Nephronophthisis. Last evaluated: 2025-03-05. Review status: criteria provided, single submitter. Criteria: Invitae Variant Classification Sherloc (09022015). Collection method: clinical testing. Allele origin: germline.

Blueprint Genetics
Classification: Likely benign. Last evaluated: 2023-01-04. Review status: criteria provided, single submitter. Criteria: ACMG Guidelines, 2015. Collection method: clinical testing. Allele origin: germline.

NM_015102.5(NPHP4):c.2095C>T (p.Leu699=)

Gene: NPHP4 (nephrocystin 4; minus strand). Cytogenetic location: 1p36.31.
Variant type: single nucleotide variant.
Coding change: c.2095C>T on transcript NM_015102.5 (MANE Select); coding-DNA position 2095, C replaced by T.
Protein change: p.Leu699=; no amino-acid change (leucine 699 retained).
Molecular consequence: synonymous variant. On other transcripts: non-coding transcript variant (1).
Genome position (GRCh38, 1-based): chr1:5,904,665, G>A on the plus strand (C>T on the coding strand, the complement: NPHP4 is on the minus strand). VCF-style: chr1-5904665-G-A. GRCh37 (hg19) VCF-style: chr1-5964725-G-A.
Other names: c.556C>T, p.Leu186= (NM_001291593.2); c.559C>T, p.Leu187= (NM_001291594.2); c.2095C>T (NM_015102.4).
Identifiers: ClinVar variation 1160350 (VCV001160350.11), dbSNP rs745467662, ClinGen allele CA554277.